The following is an entry in ClinVar:

ClinVar aggregate classification (germline): Uncertain significance. Review status: criteria provided, multiple submitters, no conflicts (2 of 4 stars). 3 submissions from 3 submitters: Uncertain significance (2). 1 of the submissions does not count toward it. Last evaluated 2025-08-14.

Conditions:
DAAM2-related disorder. Also called: DAAM2-related condition.
Nephrotic syndrome, type 24. Identifiers: Orphanet 567548, MedGen C5543267, MONDO:0031008, OMIM 619263.
Inborn genetic diseases. Identifiers: MedGen C0950123, MeSH D030342.

Allele frequency attached by ClinVar (database versions not stated): ExAC 0.00009; gnomAD 0.00009; 1000 Genomes Project 30x 0.00109; 1000 Genomes Project 0.00160.
gnomAD v4.1: 95 of 1,613,048 alleles (0.0059%); highest among the groups gnomAD compares: East Asian, 0.065%; 1 homozygote.

Submissions (3):

Ambry Genetics
Classification: Uncertain significance for Inborn genetic diseases. Last evaluated: 2025-08-14. Review status: criteria provided, single submitter. Criteria: Ambry Variant Classification Scheme 2023. Collection method: clinical testing. Allele origin: germline.

Baylor Genetics
Classification: Uncertain significance for Nephrotic syndrome, type 24. Last evaluated: 2023-02-01. Review status: criteria provided, single submitter. Criteria: ACMG Guidelines, 2015. Collection method: clinical testing. Allele origin: unknown.

PreventionGenetics, part of Exact Sciences
Classification: Uncertain significance for DAAM2-related condition. Last evaluated: 2024-02-26. Review status: no assertion criteria provided. Collection method: clinical testing. Allele origin: germline. Not counted in ClinVar's aggregate classification.
Comment: The DAAM2 c.220C>A variant is predicted to result in the amino acid substitution p.Pro74Thr. To our knowledge, this variant has not been reported in the literature. This variant is reported in 0.073% of alleles in individuals of East Asian descent in gnomAD. At this time, the clinical significance of this variant is uncertain due to the absence of conclusive functional and genetic evidence.

NM_001201427.2(DAAM2):c.220C>A (p.Pro74Thr)

Gene: DAAM2 (dishevelled associated activator of morphogenesis 2; plus strand). Cytogenetic location: 6p21.2.
Variant type: single nucleotide variant.
Coding change: c.220C>A on transcript NM_001201427.2 (MANE Select); coding-DNA position 220, C replaced by A.
Protein change: p.Pro74Thr; replaces proline 74 with threonine.
Molecular consequence: missense variant.
Genome position (GRCh38, 1-based): chr6:39,860,979, C>A. VCF-style: chr6-39860979-C-A. GRCh37 (hg19) VCF-style: chr6-39828755-C-A.
Other names: c.220C>A, p.Pro74Thr (NM_015345.4); c.220C>A (NM_001201427.1); short protein forms P74T.
Identifiers: ClinVar variation 2582327 (VCV002582327.4), dbSNP rs370112679, ClinGen allele CA3794644.